The following is an entry in ClinVar:

NM_017617.5(NOTCH1):c.2433C>G (p.Ala811=)

Gene: NOTCH1 (notch receptor 1; minus strand). Cytogenetic location: 9q34.3.
Variant type: single nucleotide variant.
Coding change: c.2433C>G on transcript NM_017617.5 (MANE Select); coding-DNA position 2433, C replaced by G.
Protein change: p.Ala811=; no amino-acid change (alanine 811 retained).
Molecular consequence: synonymous variant.
Genome position (GRCh38, 1-based): chr9:136,513,055, G>C on the plus strand (C>G on the coding strand, the complement: NOTCH1 is on the minus strand). VCF-style: chr9-136513055-G-C. GRCh37 (hg19) VCF-style: chr9-139407507-G-C.
Identifiers: ClinVar variation 3054921 (VCV003054921.2), dbSNP rs61751552, ClinGen allele CA5341359.

ClinVar aggregate classification (germline): Likely benign (0 of 4 stars; one submission).

Conditions:
NOTCH1-related disorder. Also called: NOTCH1-related condition; NOTCH1-related disorders.

gnomAD v4.1: 2 of 1,357,882 alleles (0.00015%); highest among the groups gnomAD compares: East Asian, 0.0045%; no homozygotes.

Submission:

PreventionGenetics, part of Exact Sciences
Classification: Likely benign for NOTCH1-related condition. Last evaluated: 2023-08-14. Review status: no assertion criteria provided. Collection method: clinical testing. Allele origin: germline.
Comment: This variant is classified as likely benign based on ACMG/AMP sequence variant interpretation guidelines (Richards et al. 2015 PMID: 25741868, with internal and published modifications).